The following is an entry in ClinVar:

ClinVar aggregate classification (germline): Pathogenic (0 of 4 stars; one submission).

Conditions:
Fanconi anemia complementation group A (FANCA). Also called: Fanconi anemia, group A; FANCA-Related Fanconi Anemia. Identifiers: Orphanet 84, MedGen C3469521, MONDO:0009215, OMIM 227650.

Submission:

Leiden Open Variation Database
Classification: Pathogenic for Fanconi anemia complementation group A. Last evaluated: 2020-02-28. Review status: no assertion criteria provided. Collection method: curation. Allele origin: germline. Affected: yes.
Comment: Curator: Arleen D. Auerbach. Submitter to LOVD: Arleen D. Auerbach.

Literature cited by the submitters: PubMed 25168418.

NM_000135.2(FANCA):c.(?_-42)_3066+281del

Gene: FANCA (FA complementation group A; minus strand). Cytogenetic location: 16q24.3.
Variant type: Deletion.
Identifiers: ClinVar variation 974179 (VCV000974179.1).